The following is an entry in ClinVar:

NM_001018005.2(TPM1):c.637A>C (p.Lys213Gln)

Gene: TPM1 (tropomyosin 1; plus strand). Cytogenetic location: 15q22.2.
Variant type: single nucleotide variant.
Coding change: c.637A>C on transcript NM_001018005.2 (MANE Select); coding-DNA position 637, A replaced by C.
Protein change: p.Lys213Gln; replaces lysine 213 with glutamine.
Molecular consequence: missense variant. On other transcripts: intron variant (6).
Genome position (GRCh38, 1-based): chr15:63,061,786, A>C. VCF-style: chr15-63061786-A-C. GRCh37 (hg19) VCF-style: chr15-63353985-A-C.
Other names: c.637A>C, p.Lys213Gln (NM_001018004.2, NM_001018007.2, NM_001301244.2 and 3 more transcripts); c.529A>C, p.Lys177Gln (NM_001018008.2, NM_001301289.2, NM_001330346.2 and 2 more transcripts); c.763A>C, p.Lys255Gln (NM_001365778.1); c.640-429A>C (NM_001018020.2, NM_001018006.2, NM_000366.6); c.532-429A>C (NM_001330351.2, NM_001330344.2, NM_001365781.2); short protein forms K213Q, K255Q, K177Q.
Identifiers: ClinVar variation 635235 (VCV000635235.4), dbSNP rs1566966003, ClinGen allele CA392724354.

ClinVar aggregate classification (germline): Uncertain significance. Review status: criteria provided, multiple submitters, no conflicts (2 of 4 stars). 2 submissions from 2 submitters: Uncertain significance (2). Last evaluated 2025-03-26.

Conditions:
Hypertrophic cardiomyopathy. Also called: HYPERTROPHIC MYOCARDIOPATHY. Identifiers: Orphanet 217569, MedGen C0007194, MeSH D002312, MONDO:0005045, HP:0001639.

Submissions (2):

Labcorp Genetics (formerly Invitae), Labcorp
Classification: Uncertain significance for Hypertrophic cardiomyopathy. Last evaluated: 2025-03-26. Review status: criteria provided, single submitter. Criteria: Invitae Variant Classification Sherloc (09022015). Collection method: clinical testing. Allele origin: germline.
Comment: This sequence change replaces lysine, which is basic and polar, with glutamine, which is neutral and polar, at codon 213 of the TPM1 protein (p.Lys213Gln). This variant is not present in population databases (gnomAD no frequency). This variant has not been reported in the literature in individuals affected with TPM1-related conditions. ClinVar contains an entry for this variant (Variation ID: 635235). An algorithm developed to predict the effect of missense changes on protein structure and function (PolyPhen-2) suggests that this variant is likely to be disruptive. In summary, the available evidence is currently insufficient to determine the role of this variant in disease. Therefore, it has been classified as a Variant of Uncertain Significance.

Stanford Center for Inherited Cardiovascular Disease, Stanford University
Classification: Uncertain significance. Last evaluated: 2017-01-31. Review status: criteria provided, single submitter. Criteria: ACMG Guidelines, 2015. Collection method: provider interpretation. Allele origin: germline.